The following is an entry in ClinVar:

NM_031418.4(ANO3):c.2014A>G (p.Lys672Glu)

Gene: ANO3 (anoctamin 3; plus strand). Cytogenetic location: 11p14.2.
Variant type: single nucleotide variant.
Coding change: c.2014A>G on transcript NM_031418.4 (MANE Select); coding-DNA position 2014, A replaced by G.
Protein change: p.Lys672Glu; replaces lysine 672 with glutamic acid.
Molecular consequence: missense variant.
Genome position (GRCh38, 1-based): chr11:26,635,041, A>G. VCF-style: chr11-26635041-A-G. GRCh37 (hg19) VCF-style: chr11-26656588-A-G.
Other names: c.2197A>G, p.Lys733Glu (NM_001313726.2); c.1576A>G, p.Lys526Glu (NM_001313727.2); short protein forms K526E, K733E, K672E.
Identifiers: ClinVar variation 851956 (VCV000851956.9), dbSNP rs1852906933, ClinGen allele CA379935063.
Genomic context (GRCh38, chr11:26,635,041, plus strand): 5'-AAATGCTAATGAACTAAAATGTCTTCTTACAGATTCGTAGGCCACCCAGGAAAATACAAT[A>G]AACTTTTTGACCGGTGGAGACTGGAGGAAGTAAGTAACTTTGGGAGTGTGGGTGCAGGAA-3'
Protein context (NP_113606.2, residues 662-682): RFVGHPGKYN[Lys672Glu]LFDRWRLEEC

ClinVar aggregate classification (germline): Uncertain significance (1 of 4 stars; one submission).

Conditions:
Dystonic disorder. Also called: Dystonia. Identifiers: MedGen C0013421, MONDO:0003441, HP:0001332.

Allele frequency attached by ClinVar (database versions not stated): TOPMed 0.00001.

Submission:

Labcorp Genetics (formerly Invitae), Labcorp
Classification: Uncertain significance for Dystonic disorder. Last evaluated: 2019-01-26. Review status: criteria provided, single submitter. Criteria: Invitae Variant Classification Sherloc (09022015). Collection method: clinical testing. Allele origin: germline.
Comment: In summary, the available evidence is currently insufficient to determine the role of this variant in disease. Therefore, it has been classified as a Variant of Uncertain Significance. Algorithms developed to predict the effect of missense changes on protein structure and function are either unavailable or do not agree on the potential impact of this missense change (SIFT: "Tolerated"; PolyPhen-2: "Possibly Damaging"; Align-GVGD: "Class C0"). This variant has not been reported in the literature in individuals with ANO3-related conditions. This variant is not present in population databases (ExAC no frequency). This sequence change replaces lysine with glutamic acid at codon 672 of the ANO3 protein (p.Lys672Glu). The lysine residue is moderately conserved and there is a small physicochemical difference between lysine and glutamic acid.